The following is an entry in ClinVar:

ClinVar aggregate classification (germline): Uncertain significance (1 of 4 stars; one submission).

Submission:

Labcorp Genetics (formerly Invitae), Labcorp
Classification: Uncertain significance. Last evaluated: 2024-04-08. Review status: criteria provided, single submitter. Criteria: Invitae Variant Classification Sherloc (09022015). Collection method: clinical testing. Allele origin: germline.
Comment: This sequence change affects the initiator methionine of the CHRM2 mRNA. The next in-frame methionine is located at codon 45. This variant is not present in population databases (gnomAD no frequency). This variant has not been reported in the literature in individuals affected with CHRM2-related conditions. ClinVar contains an entry for this variant (Variation ID: 2017794). Experimental studies and prediction algorithms are not available or were not evaluated, and the functional significance of this variant is currently unknown. In summary, the available evidence is currently insufficient to determine the role of this variant in disease. Therefore, it has been classified as a Variant of Uncertain Significance.

NM_001006630.2(CHRM2):c.2T>A (p.Met1Lys)

Genes: CHRM2 (cholinergic receptor muscarinic 2; plus strand), LOC349160 (uncharacterized LOC349160; minus strand). Cytogenetic location: 7q33.
Variant type: single nucleotide variant.
Coding change: c.2T>A on transcript NM_001006630.2 (MANE Select); coding-DNA position 2, T replaced by A.
Protein change: p.Met1Lys; changes the start codon (methionine 1).
Molecular consequence: missense variant, initiator codon variant.
Genome position (GRCh38, 1-based): chr7:137,014,867, T>A. VCF-style: chr7-137014867-T-A. GRCh37 (hg19) VCF-style: chr7-136699614-T-A.
Other names: c.2T>A, p.Met1Lys (NM_000739.3, NM_001006626.3, NM_001006627.3 and 6 more transcripts); short protein forms M1K.
Identifiers: ClinVar variation 2017794 (VCV002017794.5), dbSNP rs2536203139, ClinGen allele CA369485525.